The following is an entry in ClinVar:

NM_004168.4(SDHA):c.1105C>T (p.His369Tyr)

Gene: SDHA (succinate dehydrogenase complex flavoprotein subunit A; plus strand). Cytogenetic location: 5p15.33.
Variant type: single nucleotide variant.
Coding change: c.1105C>T on transcript NM_004168.4 (MANE Select); coding-DNA position 1105, C replaced by T.
Protein change: p.His369Tyr; replaces histidine 369 with tyrosine.
Molecular consequence: missense variant.
Genome position (GRCh38, 1-based): chr5:235,184, C>T. VCF-style: chr5-235184-C-T. GRCh37 (hg19) VCF-style: chr5-235299-C-T.
Other names: c.961C>T, p.His321Tyr (NM_001294332.2); c.1105C>T, p.His369Tyr (NM_001330758.2); short protein forms H321Y, H369Y.
Identifiers: ClinVar variation 1471166 (VCV001471166.11), dbSNP rs2126584410, ClinGen allele CA359013465.
Genomic context (GRCh38, chr5:235,184, plus strand): 5'-ATGGTGTTCTGTCTTACCAGAGGCTGTGGCCCTGAGAAAGATCACGTCTACCTGCAGCTG[C>T]ACCACCTACCTCCAGAGCAGCTGGCCACGCGCCTGCCTGGCATTTCAGAGACAGCCATGA-3'
Protein context (NP_004159.2, residues 359-379): PEKDHVYLQL[His369Tyr]HLPPEQLATR

ClinVar aggregate classification (germline): Uncertain significance. Review status: criteria provided, multiple submitters, no conflicts (2 of 4 stars). 2 submissions from 2 submitters: Uncertain significance (2). Last evaluated 2025-02-03.

Conditions:
Mitochondrial complex II deficiency, nuclear type 1. Also called: SUCCINATE CoQ REDUCTASE DEFICIENCY. Identifiers: Orphanet 3208, MedGen C5700310, MONDO:0100294, OMIM 252011.
Pheochromocytoma/paraganglioma syndrome 5. Also called: Paragangliomas 5; SDHA-Related Hereditary Paraganglioma-Pheochromocytoma Syndrome. Identifiers: Orphanet 29072, MedGen C3279992, MONDO:0013602, OMIM 614165.
Hereditary cancer-predisposing syndrome. Also called: Neoplastic Syndromes, Hereditary; Hereditary Cancer Syndrome; Hereditary neoplastic syndrome; Tumor predisposition. Identifiers: Orphanet 140162, MedGen C0027672, MeSH D009386, MONDO:0015356.

Submissions (2):

Ambry Genetics
Classification: Uncertain significance for Hereditary cancer-predisposing syndrome. Last evaluated: 2025-02-03. Review status: criteria provided, single submitter. Criteria: Ambry Variant Classification Scheme 2023. Collection method: clinical testing. Allele origin: germline.
Comment: The p.H369Y variant (also known as c.1105C>T), located in coding exon 9 of the SDHA gene, results from a C to T substitution at nucleotide position 1105. The histidine at codon 369 is replaced by tyrosine, an amino acid with similar properties. This amino acid position is conserved. In addition, the in silico prediction for this alteration is inconclusive. Since supporting evidence is limited at this time, the clinical significance of this alteration remains unclear.

Labcorp Genetics (formerly Invitae), Labcorp
Classification: Uncertain significance for Pheochromocytoma/paraganglioma syndrome 5; Mitochondrial complex II deficiency, nuclear type 1. Last evaluated: 2023-12-03. Review status: criteria provided, single submitter. Criteria: Invitae Variant Classification Sherloc (09022015). Collection method: clinical testing. Allele origin: germline.
Comment: This sequence change replaces histidine, which is basic and polar, with tyrosine, which is neutral and polar, at codon 369 of the SDHA protein (p.His369Tyr). This variant is not present in population databases (gnomAD no frequency). This variant has not been reported in the literature in individuals affected with SDHA-related conditions. ClinVar contains an entry for this variant (Variation ID: 1471166). Advanced modeling of protein sequence and biophysical properties (such as structural, functional, and spatial information, amino acid conservation, physicochemical variation, residue mobility, and thermodynamic stability) performed at Invitae indicates that this missense variant is not expected to disrupt SDHA protein function with a negative predictive value of 95%. In summary, the available evidence is currently insufficient to determine the role of this variant in disease. Therefore, it has been classified as a Variant of Uncertain Significance.